The following is an entry in ClinVar:

NM_005157.6(ABL1):c.1329T>G (p.Ile443Met)

Gene: ABL1 (ABL proto-oncogene 1, non-receptor tyrosine kinase; plus strand). Cytogenetic location: 9q34.12.
Variant type: single nucleotide variant.
Coding change: c.1329T>G on transcript NM_005157.6 (MANE Select); coding-DNA position 1329, T replaced by G.
Protein change: p.Ile443Met; replaces isoleucine 443 with methionine.
Molecular consequence: missense variant.
Genome position (GRCh38, 1-based): chr9:130,878,473, T>G. VCF-style: chr9-130878473-T-G. GRCh37 (hg19) VCF-style: chr9-133753860-T-G.
Other names: c.1386T>G, p.Ile462Met (NM_007313.3); short protein forms I443M, I462M.
Identifiers: ClinVar variation 3372757 (VCV003372757.1).

ClinVar aggregate classification (germline): Uncertain significance (1 of 4 stars; one submission).

Submission:

GeneDx
Classification: Uncertain significance. Last evaluated: 2024-04-17. Review status: criteria provided, single submitter. Criteria: GeneDx Variant Classification Process June 2021. Collection method: clinical testing. Allele origin: germline. Affected: yes.
Comment: Not observed at significant frequency in large population cohorts (gnomAD); In silico analysis supports that this missense variant has a deleterious effect on protein structure/function; Has not been previously published as pathogenic or benign to our knowledge.